The following is an entry in ClinVar:

NM_006514.4(SCN10A):c.4724T>C (p.Ile1575Thr)

Gene: SCN10A (sodium voltage-gated channel alpha subunit 10; minus strand). Cytogenetic location: 3p22.2.
Variant type: single nucleotide variant.
Coding change: c.4724T>C on transcript NM_006514.4 (MANE Select); coding-DNA position 4724, T replaced by C.
Protein change: p.Ile1575Thr; replaces isoleucine 1575 with threonine.
Molecular consequence: missense variant.
Genome position (GRCh38, 1-based): chr3:38,698,496, A>G on the plus strand (T>C on the coding strand, the complement: SCN10A is on the minus strand). VCF-style: chr3-38698496-A-G. GRCh37 (hg19) VCF-style: chr3-38739987-A-G.
Other names: c.4721T>C, p.Ile1574Thr (NM_001293306.2); c.4430T>C, p.Ile1477Thr (NM_001293307.2); short protein forms I1575T, I1477T, I1574T.
Identifiers: ClinVar variation 423357 (VCV000423357.6), dbSNP rs1064796379, ClinGen allele CA16617955.

ClinVar aggregate classification (germline): Uncertain significance. Review status: criteria provided, multiple submitters, no conflicts (2 of 4 stars). 2 submissions from 2 submitters: Uncertain significance (2). Last evaluated 2022-08-05.

Conditions:
Brugada syndrome. Also called: Sudden unexplained nocturnal death syndrome; Sudden unexpected nocturnal death syndrome; Sudden Unexplained Nocturnal Death Syndrome (SUNDS); Sudden Unexplained Death Syndrome. Identifiers: Orphanet 130, MedGen C1142166, MONDO:0015263.

Allele frequency attached by ClinVar (database versions not stated): gnomAD exomes below 0.00001; gnomAD 0.00001; TOPMed 0.00001.
gnomAD v4.1: 3 of 1,614,102 alleles (0.00019%); highest among the groups gnomAD compares: Non-Finnish European, 0.00025%; no homozygotes.

Submissions (2):

Labcorp Genetics (formerly Invitae), Labcorp
Classification: Uncertain significance for Brugada syndrome. Last evaluated: 2022-08-05. Review status: criteria provided, single submitter. Criteria: Invitae Variant Classification Sherloc (09022015). Collection method: clinical testing. Allele origin: germline.
Comment: This sequence change replaces isoleucine, which is neutral and non-polar, with threonine, which is neutral and polar, at codon 1575 of the SCN10A protein (p.Ile1575Thr). This variant is not present in population databases (gnomAD no frequency). This missense change has been observed in individual(s) with small fiber neuropathy (PMID: 30554136). ClinVar contains an entry for this variant (Variation ID: 423357). Advanced modeling of protein sequence and biophysical properties (such as structural, functional, and spatial information, amino acid conservation, physicochemical variation, residue mobility, and thermodynamic stability) performed at Invitae indicates that this missense variant is expected to disrupt SCN10A protein function. In summary, the available evidence is currently insufficient to determine the role of this variant in disease. Therefore, it has been classified as a Variant of Uncertain Significance.

GeneDx
Classification: Uncertain significance. Last evaluated: 2017-02-02. Review status: criteria provided, single submitter. Criteria: GeneDx Variant Classification (06012015). Collection method: clinical testing. Allele origin: germline. Affected: yes.
Comment: A variant of uncertain significance has been identified in the SCN10A gene. The I1575T variant has not been published as pathogenic or been reported as benign to our knowledge. I1575T is not observed in large population cohorts (Lek et al., 2016; 1000 Genomes Consortium et al., 2015; Exome Variant Server). The I1575T variant is a non-conservative amino acid substitution, which is likely to impact secondary protein structure as these residues differ in polarity, charge, size and/or other properties. Moreover, this substitution occurs at a position that is conserved across species, and in silico analysis predicts this variant is probably damaging to the protein structure/function. Nevertheless, no pathogenic missense variants in nearby residues have been reported in the Human Gene Mutation Database (Stenson et al., 2014), indicating that this region of the gene is not known to harbor disease-causing variants.

Literature cited by the submitters: PubMed 30554136 (cited by Labcorp Genetics (formerly Invitae), Labcorp).